The following is an entry in ClinVar:

ClinVar aggregate classification (germline): Uncertain significance (1 of 4 stars; one submission).

Allele frequency attached by ClinVar (database versions not stated): gnomAD exomes below 0.00001; gnomAD 0.00001; TOPMed 0.00001.
gnomAD v4.1: 4 of 1,592,242 alleles (0.00025%); highest among the groups gnomAD compares: Non-Finnish European, 0.00034%; no homozygotes.

Submission:

Labcorp Genetics (formerly Invitae), Labcorp
Classification: Uncertain significance. Last evaluated: 2021-08-05. Review status: criteria provided, single submitter. Criteria: Invitae Variant Classification Sherloc (09022015). Collection method: clinical testing. Allele origin: germline.
Comment: In summary, the available evidence is currently insufficient to determine the role of this variant in disease. Therefore, it has been classified as a Variant of Uncertain Significance. Algorithms developed to predict the effect of missense changes on protein structure and function output the following: SIFT: "Tolerated"; PolyPhen-2: "Benign"; Align-GVGD: "Class C0". The valine amino acid residue is found in multiple mammalian species, suggesting that this missense change does not adversely affect protein function. These predictions have not been confirmed by published functional studies and their clinical significance is uncertain. This variant has not been reported in the literature in individuals with FSCN2-related conditions. This variant is not present in population databases (ExAC no frequency). This sequence change replaces isoleucine with valine at codon 178 of the FSCN2 protein (p.Ile178Val). The isoleucine residue is moderately conserved and there is a small physicochemical difference between isoleucine and valine.

NM_012418.4(FSCN2):c.532A>G (p.Ile178Val)

Gene: FSCN2 (fascin actin-bundling protein 2, retinal; plus strand). Cytogenetic location: 17q25.3.
Variant type: single nucleotide variant.
Coding change: c.532A>G on transcript NM_012418.4 (MANE Select); coding-DNA position 532, A replaced by G.
Protein change: p.Ile178Val; replaces isoleucine 178 with valine.
Molecular consequence: missense variant.
Genome position (GRCh38, 1-based): chr17:81,529,063, A>G. VCF-style: chr17-81529063-A-G. GRCh37 (hg19) VCF-style: chr17-79496089-A-G.
Other names: c.532A>G, p.Ile178Val (NM_001077182.3); short protein forms I178V.
Identifiers: ClinVar variation 1375985 (VCV001375985.8), dbSNP rs1487015386, ClinGen allele CA401471445.